The following is an entry in ClinVar:

GRCh37/hg19 1p36.21(chr1:14209336-15072614)x3

Gene: KAZN (kazrin, periplakin interacting protein; plus strand). Cytogenetic location: 1p36.21.
Variant type: copy number gain.
Change: copy number 3 (three copies instead of two) of chr1:14,209,336-15,072,614 (863.3 kb, GRCh37 coordinates, 1-based), cytogenetic band 1p36.21.
Identifiers: ClinVar variation 446346 (VCV000446346.4).

ClinVar aggregate classification (germline): Uncertain significance (1 of 4 stars; one submission).

Submission:

Clinical Genomics Laboratory, Laboratory for Precision Diagnostics, University of Washington
Classification: Uncertain significance. Last evaluated: 2017-05-12. Review status: criteria provided, single submitter. Criteria: Clinical Cytogenomics Laboratory Policy on CNV Interpretation. Collection method: clinical testing. Allele origin: unknown. Affected: yes. Observed: 1 variant allele.